The following is an entry in ClinVar:

ClinVar aggregate classification (germline): Uncertain significance (0 of 4 stars; one submission).

Conditions:
ARHGEF28-related disorder. Also called: ARHGEF28-related condition.

Submission:

PreventionGenetics, part of Exact Sciences
Classification: Uncertain significance for ARHGEF28-related condition. Last evaluated: 2024-04-02. Review status: no assertion criteria provided. Collection method: clinical testing. Allele origin: germline.
Comment: The ARHGEF28 c.3552G>C variant is predicted to result in the amino acid substitution p.Gln1184His. To our knowledge, this variant has not been reported in the literature or in a large population database, indicating this variant is rare. At this time, the clinical significance of this variant is uncertain due to the absence of conclusive functional and genetic evidence.

NM_001177693.2(ARHGEF28):c.3552G>C (p.Gln1184His)

Gene: ARHGEF28 (Rho guanine nucleotide exchange factor 28; plus strand). Cytogenetic location: 5q13.2.
Variant type: single nucleotide variant.
Coding change: c.3552G>C on transcript NM_001177693.2 (MANE Select); coding-DNA position 3552, G replaced by C.
Protein change: p.Gln1184His; replaces glutamine 1184 with histidine.
Molecular consequence: missense variant.
Genome position (GRCh38, 1-based): chr5:73,892,216, G>C. VCF-style: chr5-73892216-G-C. GRCh37 (hg19) VCF-style: chr5-73188041-G-C.
Other names: c.3552G>C, p.Gln1184His (NM_001080479.3, NM_001388078.1); c.2613G>C, p.Gln871His (NM_001244364.2); c.3258G>C, p.Gln1086His (NM_001388076.1); short protein forms Q1086H, Q1184H, Q871H.
Identifiers: ClinVar variation 3344916 (VCV003344916.1).